The following is an entry in ClinVar:

ClinVar aggregate classification (germline): Likely benign. Review status: criteria provided, multiple submitters, no conflicts (2 of 4 stars). 3 submissions from 3 submitters: Likely benign (3). Last evaluated 2026-03-01.

Conditions:
Cardiovascular phenotype. Identifiers: MedGen CN230736.
Hereditary cancer-predisposing syndrome. Also called: Tumor predisposition; Neoplastic Syndromes, Hereditary; Hereditary Cancer Syndrome; Hereditary neoplastic syndrome. Identifiers: Orphanet 140162, MedGen C0027672, MeSH D009386, MONDO:0015356.

Allele frequency attached by ClinVar (database versions not stated): gnomAD 0.00001; gnomAD exomes 0.00001; TOPMed 0.00001; ExAC 0.00005.
gnomAD v4.1: 2 of 1,566,164 alleles (0.00013%); highest among the groups gnomAD compares: Non-Finnish European, 0.00017%; no homozygotes.

Submissions (3):

CeGaT Center for Human Genetics Tuebingen
Classification: Likely benign. Last evaluated: 2026-03-01. Review status: criteria provided, single submitter. Criteria: CeGaT Center For Human Genetics Tuebingen Variant Classification Criteria Version 2. Collection method: clinical testing. Allele origin: germline. Affected: yes. Observed: 1 variant allele.
Comment: LZTR1: BP4, BP7

Labcorp Genetics (formerly Invitae), Labcorp
Classification: Likely benign. Last evaluated: 2023-05-23. Review status: criteria provided, single submitter. Criteria: Invitae Variant Classification Sherloc (09022015). Collection method: clinical testing. Allele origin: germline.

Ambry Genetics
Classification: Likely benign for Cardiovascular phenotype; Hereditary cancer-predisposing syndrome. Last evaluated: 2019-08-30. Review status: criteria provided, single submitter. Criteria: Ambry Variant Classification Scheme 2023. Collection method: clinical testing. Allele origin: germline.

NM_006767.4(LZTR1):c.36G>A (p.Gly12=)

Genes: LZTR1 (leucine zipper like post translational regulator 1; plus strand), LOC130067016 (ATAC-STARR-seq lymphoblastoid silent region 13504; plus strand). Cytogenetic location: 22q11.21.
Variant type: single nucleotide variant.
Coding change: c.36G>A on transcript NM_006767.4 (MANE Select); coding-DNA position 36, G replaced by A.
Protein change: p.Gly12=; no amino-acid change (glycine 12 retained).
Molecular consequence: synonymous variant.
Genome position (GRCh38, 1-based): chr22:20,982,407, G>A. VCF-style: chr22-20982407-G-A. GRCh37 (hg19) VCF-style: chr22-21336696-G-A.
Identifiers: ClinVar variation 1544671 (VCV001544671.14), dbSNP rs756364667, ClinGen allele CA10118272.